The following is an entry in ClinVar:

NM_003742.4(ABCB11):c.2426C>T (p.Ser809Phe)

Gene: ABCB11 (ATP binding cassette subfamily B member 11; minus strand). Cytogenetic location: 2q31.1.
Variant type: single nucleotide variant.
Coding change: c.2426C>T on transcript NM_003742.4 (MANE Select); coding-DNA position 2426, C replaced by T.
Protein change: p.Ser809Phe; replaces serine 809 with phenylalanine.
Molecular consequence: missense variant.
Genome position (GRCh38, 1-based): chr2:168,944,879, G>A on the plus strand (C>T on the coding strand, the complement: ABCB11 is on the minus strand). VCF-style: chr2-168944879-G-A. GRCh37 (hg19) VCF-style: chr2-169801389-G-A.
Other names: short protein forms S809F.
Identifiers: ClinVar variation 4846181 (VCV004846181.1).
Genomic context (GRCh38, chr2:168,944,879, plus strand): 5'-AATAACTAAATCACTTACTGAAAAATAACATTTCTTACCTGTAGAAATTGGGTGAAAAGA[G>A]ATACACAGCCCATTGCTACAAAAAGTAGGCACACACCATTGATCTGTGACCTTTGTTCCT-3'
Protein context (NP_003733.2, residues 799-819): CLLFVAMGCV[Ser809Phe]LFTQFLQGYA

ClinVar aggregate classification (germline): Uncertain significance (1 of 4 stars; one submission).

Conditions:
Familial intrahepatic cholestasis. Identifiers: Orphanet 284385, MedGen CN296401, MONDO:0017290.

gnomAD v4.1: 16 of 1,585,066 alleles (0.001%); highest among the groups gnomAD compares: South Asian, 0.0092%; 1 homozygote.

Submission:

Genomenon, Inc
Classification: Uncertain significance for Familial intrahepatic cholestasis. Last evaluated: 2026-04-14. Review status: criteria provided, single submitter. Criteria: Genomenon Sequence Variant Interpretation Standards - Updated. Collection method: curation. Allele origin: germline. Affected: yes.
Comment: ABCB11 p.Ser809Phe (c.2426C>T) is a missense variant that changes the amino acid at residue 809 from Serine to Phenylalanine. This variant has been observed in at least one proband with an ABCB11-related disorder (PMID:31335238). It is absent or not present at a significant frequency in gnomAD. In silico models predict that this variant is possibly or probably damaging. In conclusion, we classify ABCB11 p.Ser809Phe (c.2426C>T) as a variant of uncertain significance.

Literature cited by the submitters: PubMed 31335238.